The following is an entry in ClinVar:

NM_198506.5(LRIT3):c.1421T>C (p.Leu474Ser)

Gene: LRIT3 (leucine rich repeat, Ig-like and transmembrane domains 3; plus strand). Cytogenetic location: 4q25.
Variant type: single nucleotide variant.
Coding change: c.1421T>C on transcript NM_198506.5 (MANE Select); coding-DNA position 1421, T replaced by C.
Protein change: p.Leu474Ser; replaces leucine 474 with serine.
Molecular consequence: missense variant.
Genome position (GRCh38, 1-based): chr4:109,870,170, T>C. VCF-style: chr4-109870170-T-C. GRCh37 (hg19) VCF-style: chr4-110791326-T-C.
Other names: short protein forms L474S.
Identifiers: ClinVar variation 960124 (VCV000960124.4), dbSNP rs943820670, ClinGen allele CA103712327.

ClinVar aggregate classification (germline): Uncertain significance (1 of 4 stars; one submission).

Allele frequency attached by ClinVar (database versions not stated): TOPMed below 0.00001.
gnomAD v4.1: 1 of 1,614,218 alleles (0.000062%); no homozygotes.

Submission:

Labcorp Genetics (formerly Invitae), Labcorp
Classification: Uncertain significance. Last evaluated: 2022-10-25. Review status: criteria provided, single submitter. Criteria: Invitae Variant Classification Sherloc (09022015). Collection method: clinical testing. Allele origin: germline.
Comment: This sequence change replaces leucine, which is neutral and non-polar, with serine, which is neutral and polar, at codon 474 of the LRIT3 protein (p.Leu474Ser). This variant is not present in population databases (gnomAD no frequency). This variant has not been reported in the literature in individuals affected with LRIT3-related conditions. ClinVar contains an entry for this variant (Variation ID: 960124). Algorithms developed to predict the effect of missense changes on protein structure and function output the following: SIFT: "Tolerated"; PolyPhen-2: "Benign"; Align-GVGD: "Class C0". The serine amino acid residue is found in multiple mammalian species, which suggests that this missense change does not adversely affect protein function. In summary, the available evidence is currently insufficient to determine the role of this variant in disease. Therefore, it has been classified as a Variant of Uncertain Significance.